The following is an entry in ClinVar:

NM_000179.3(MSH6):c.3802-1G>T

Gene: MSH6 (mutS homolog 6; plus strand). Cytogenetic location: 2p16.3.
Variant type: single nucleotide variant.
Coding change: c.3802-1G>T on transcript NM_000179.3 (MANE Select); the canonical splice acceptor site of the intron before coding-DNA position 3802, G replaced by T.
Molecular consequence: splice acceptor variant. On other transcripts: intron variant (2).
Genome position (GRCh38, 1-based): chr2:47,806,451, G>T. VCF-style: chr2-47806451-G-T. GRCh37 (hg19) VCF-style: chr2-48033590-G-T.
Other names: c.3802-1G>T (NM_001406809.1, NM_001406796.1, NM_001406808.1); c.2896-1G>T (NM_001406811.1, NM_001406814.1, NM_001281493.2 and 6 more transcripts); c.3505-1G>T (NM_001406805.1, NM_001406797.1, NM_001406801.1 and 10 more transcripts); c.3898-1G>T (NM_001406795.1); c.3897+93G>T (NM_001406802.1); c.3808-1G>T (NM_001406813.1); c.3277-1G>T (NM_001406807.1, NM_001406799.1, NM_001406806.1); c.3802-14G>T (NM_001406800.1); and 9 more.
Identifiers: ClinVar variation 1804655 (VCV001804655.1), dbSNP rs1572746025, ClinGen allele CA346761211.

ClinVar aggregate classification (germline): Likely pathogenic (1 of 4 stars; one submission).

Conditions:
Hereditary nonpolyposis colon cancer (HNPCC). Also called: Hereditary nonpolyposis colorectal cancer; Familial nonpolyposis colon cancer; Hereditary Nonpolyposis Colorectal Cancer Syndrome. Identifiers: Orphanet 443909, MedGen C1333990, MONDO:0018630. Disease mechanism: loss of function.

Submission:

Women's Health and Genetics/Laboratory Corporation of America, LabCorp
Classification: Likely pathogenic for Hereditary nonpolyposis colon cancer. Last evaluated: 2022-11-04. Review status: criteria provided, single submitter. Criteria: LabCorp Variant Classification Summary - May 2015. Collection method: clinical testing. Allele origin: germline.
Comment: Variant summary: MSH6 c.3802-1G>T is located in a canonical splice-site and is predicted to affect mRNA splicing resulting in a significantly altered protein due to either exon skipping, shortening, or inclusion of intronic material. Several computational tools predict a significant impact on normal splicing: Two predict the variant abolishes a 3' acceptor site. However, these predictions have yet to be confirmed by functional studies. The variant was absent in 251016 control chromosomes. To our knowledge, no occurrence of c.3802-1G>T in individuals affected with Lynch Syndrome and no experimental evidence demonstrating its impact on protein function have been reported. No clinical diagnostic laboratories have submitted clinical-significance assessments for this variant to ClinVar after 2014. Based on the evidence outlined above, the variant was classified as likely pathogenic.